The following is an entry in ClinVar:

NM_000804.4(FOLR3):c.292C>T (p.Arg98Cys)

Gene: FOLR3 (folate receptor gamma; plus strand). Cytogenetic location: 11q13.4.
Variant type: single nucleotide variant.
Coding change: c.292C>T on transcript NM_000804.4 (MANE Select); coding-DNA position 292, C replaced by T.
Protein change: p.Arg98Cys; replaces arginine 98 with cysteine.
Molecular consequence: missense variant. On other transcripts: synonymous variant (1), non-coding transcript variant (1).
Genome position (GRCh38, 1-based): chr11:72,139,084, C>T. VCF-style: chr11-72139084-C-T. GRCh37 (hg19) VCF-style: chr11-71850130-C-T.
Other names: c.19C>T, p.Arg7Cys (NM_001318045.2); c.420C>T, p.Ser140= (NM_001412270.1); short protein forms R7C, R98C.
Identifiers: ClinVar variation 3035503 (VCV003035503.2), dbSNP rs61734430, ClinGen allele CA6168909.

ClinVar aggregate classification (germline): Benign (0 of 4 stars; one submission).

Conditions:
FOLR3-related disorder. Also called: FOLR3-related condition.

Allele frequency attached by ClinVar (database versions not stated): 1000 Genomes Project 0.02177; 1000 Genomes Project 30x 0.02264; TOPMed 0.03402; ExAC 0.03504; ESP Exome Variant Server 0.03781; gnomAD 0.04038; gnomAD exomes 0.04843.
gnomAD v4.1: 75,978 of 1,594,208 alleles (4.8%); highest among the groups gnomAD compares: Non-Finnish European, 5.5%; 2,020 homozygotes.

Submission:

PreventionGenetics, part of Exact Sciences
Classification: Benign for FOLR3-related condition. Last evaluated: 2019-05-01. Review status: no assertion criteria provided. Collection method: clinical testing. Allele origin: germline.
Comment: This variant is classified as benign based on ACMG/AMP sequence variant interpretation guidelines (Richards et al. 2015 PMID: 25741868, with internal and published modifications).